The following is an entry in ClinVar:

NM_005159.5(ACTC1):c.-16del

Genes: ACTC1 (actin alpha cardiac muscle 1; minus strand), GJD2-DT (GJD2 divergent transcript; plus strand). Cytogenetic location: 15q14.
Variant type: Deletion.
Coding change: c.-16del on transcript NM_005159.5 (MANE Select); 16 bases upstream of the start codon, one base deleted (C; older notation c.-16delC).
Molecular consequence: 5 prime UTR variant.
Genome position (GRCh38, 1-based): chr15:34,794,824, G deleted on the plus strand (C on the coding strand, the reverse complement: ACTC1 is on the minus strand); the first of 5 consecutive G bases (chr15:34,794,824-34,794,828); deleting any one gives the same sequence. VCF-style (leftmost placement, unchanged base first): chr15-34794823-AG-A. GRCh37 (hg19) VCF-style: chr15-35087024-AG-A.
Other names: c.-16del (NM_001406482.1, NM_001406483.1).
Identifiers: ClinVar variation 3071053 (VCV003071053.1), dbSNP rs2504185811, ClinGen allele CA2627663525.

ClinVar aggregate classification (germline): Uncertain significance (1 of 4 stars; one submission).

Conditions:
Hypertrophic cardiomyopathy. Also called: HYPERTROPHIC MYOCARDIOPATHY. Identifiers: Orphanet 217569, MedGen C0007194, MeSH D002312, MONDO:0005045, HP:0001639.

Submission:

All of Us Research Program, National Institutes of Health
Classification: Uncertain significance for Hypertrophic cardiomyopathy. Last evaluated: 2023-05-16. Review status: criteria provided, single submitter. Criteria: ACMG Guidelines, 2015. Collection method: clinical testing. Allele origin: germline. Inheritance: Autosomal dominant inheritance. Observed: 1 variant allele, 1 heterozygote.
Comment: This variant is located in the 5' untranslated region of the ACTC1 gene. To our knowledge, functional studies have not been reported for this variant. This variant has not been reported in individuals affected with ACTC1-related disorders in the literature. This variant has not been identified in the general population by the Genome Aggregation Database (gnomAD). The available evidence is insufficient to determine the role of this variant in disease conclusively. Therefore, this variant is classified as a Variant of Uncertain Significance.

This study involves interpretation of variants in research participants for the purpose of population health screening. Participant phenotype was not available at the time of variant classification. Additional details can be found in publication PMID: 35346344, PMCID: PMC8962531